The following is an entry in ClinVar:

NM_001206744.2(TPO):c.746G>C (p.Ser249Thr)

Gene: TPO (thyroid peroxidase; plus strand). Cytogenetic location: 2p25.3.
Variant type: single nucleotide variant.
Coding change: c.746G>C on transcript NM_001206744.2 (MANE Select); coding-DNA position 746, G replaced by C.
Protein change: p.Ser249Thr; replaces serine 249 with threonine.
Molecular consequence: missense variant.
Genome position (GRCh38, 1-based): chr2:1,456,209, G>C. VCF-style: chr2-1456209-G-C. GRCh37 (hg19) VCF-style: chr2-1459981-G-C.
Other names: c.746G>C, p.Ser249Thr (NM_000547.6, NM_001206745.2, NM_175719.4 and 2 more transcripts); short protein forms S249T.
Identifiers: ClinVar variation 2636541 (VCV002636541.1), dbSNP rs760477265, ClinGen allele CA1511558.

ClinVar aggregate classification (germline): Uncertain significance (1 of 4 stars; one submission).

Conditions:
TPO-related disorder. Also called: TPO-related condition.

Allele frequency attached by ClinVar (database versions not stated): ExAC 0.00002; gnomAD 0.00003; TOPMed 0.00004.
gnomAD v4.1: 8 of 1,614,016 alleles (0.0005%); highest among the groups gnomAD compares: African/African-American, 0.011%; no homozygotes.

Submission:

PreventionGenetics, part of Exact Sciences
Classification: Uncertain significance for TPO-related condition. Last evaluated: 2023-02-06. Review status: criteria provided, single submitter. Criteria: ACMG Guidelines, 2015. Collection method: clinical testing. Allele origin: germline.
Comment: The TPO c.746G>C variant is predicted to result in the amino acid substitution p.Ser249Thr. To our knowledge, this variant has not been reported in the literature. Other variant at the same codon p.Ser249Arg has been reported in compound heterozygous state in an individual with positive TSH neonatal screening for congenital hypothyroidism and the variant was evaluated as variant of unknown significance (Yamaguchi et al., 2020. PubMed ID: 32459320 Table S2). This variant is reported in 0.016% of alleles in individuals of African descent in gnomAD. At this time, the clinical significance of this variant is uncertain due to the absence of conclusive functional and genetic evidence.